The following is an entry in ClinVar:

ClinVar aggregate classification (germline): Uncertain significance (1 of 4 stars; one submission).

Submission:

Ambry Genetics
Classification: Uncertain significance. Last evaluated: 2024-04-16. Review status: criteria provided, single submitter. Criteria: Ambry Variant Classification Scheme 2023. Collection method: clinical testing. Allele origin: germline.
Comment: The p.D517G variant (also known as c.1550A>G), located in coding exon 12 of the RECQL gene, results from an A to G substitution at nucleotide position 1550. The aspartic acid at codon 517 is replaced by glycine, an amino acid with similar properties. This amino acid position is highly conserved in available vertebrate species. In addition, the in silico prediction for this alteration is inconclusive. Since supporting evidence is limited at this time, the clinical significance of this alteration remains unclear.

NM_002907.4(RECQL):c.1550A>G (p.Asp517Gly)

Gene: RECQL (RecQ like helicase; minus strand). Cytogenetic location: 12p12.1.
Variant type: single nucleotide variant.
Coding change: c.1550A>G on transcript NM_002907.4 (MANE Select); coding-DNA position 1550, A replaced by G.
Protein change: p.Asp517Gly; replaces aspartic acid 517 with glycine.
Molecular consequence: missense variant.
Genome position (GRCh38, 1-based): chr12:21,471,545, T>C on the plus strand (A>G on the coding strand, the complement: RECQL is on the minus strand). VCF-style: chr12-21471545-T-C. GRCh37 (hg19) VCF-style: chr12-21624479-T-C.
Other names: c.1550A>G, p.Asp517Gly (NM_032941.3); short protein forms D517G.
Identifiers: ClinVar variation 1775038 (VCV001775038.3), dbSNP rs2540321440, ClinGen allele CA384116173.